The following is an entry in ClinVar:

ClinVar aggregate classification (germline): Benign/Likely benign. Review status: criteria provided, multiple submitters, no conflicts (2 of 4 stars). 7 submissions from 7 submitters: Benign (1); Likely benign (5). 1 of the submissions does not count toward it. Last evaluated 2026-01-21.

Conditions:
ALMS1-related disorder. Also called: ALMS1-related condition.
Alstrom syndrome (ALMS). Identifiers: Orphanet 64, MedGen C0268425, MONDO:0008763, OMIM 203800.
Cardiovascular phenotype. Identifiers: MedGen CN230736.

Allele frequency attached by ClinVar (database versions not stated): gnomAD exomes 0.00003 and 0.00008; ExAC 0.00006; ESP Exome Variant Server 0.00015; gnomAD 0.00020 and 0.00021; TOPMed 0.00020; 1000 Genomes Project 30x 0.00078; 1000 Genomes Project 0.00080.
gnomAD v4.1: 72 of 1,614,218 alleles (0.0045%); highest among the groups gnomAD compares: African/African-American, 0.08%; no homozygotes.

Submissions (7):

Labcorp Genetics (formerly Invitae), Labcorp
Classification: Likely benign for Alstrom syndrome. Last evaluated: 2026-01-21. Review status: criteria provided, single submitter. Criteria: Invitae Variant Classification Sherloc (09022015). Collection method: clinical testing. Allele origin: germline.

Women's Health and Genetics/Laboratory Corporation of America, LabCorp
Classification: Likely benign. Last evaluated: 2025-02-18. Review status: criteria provided, single submitter. Criteria: LabCorp Variant Classification Summary - May 2015. Collection method: clinical testing. Allele origin: germline.

Blueprint Genetics
Classification: Likely benign. Last evaluated: 2023-05-30. Review status: criteria provided, single submitter. Criteria: ACMG Guidelines, 2015. Collection method: clinical testing. Allele origin: germline.

Ambry Genetics
Classification: Benign for Cardiovascular phenotype. Last evaluated: 2021-11-20. Review status: criteria provided, single submitter. Criteria: Ambry Variant Classification Scheme 2023. Collection method: clinical testing. Allele origin: germline.

PreventionGenetics, part of Exact Sciences
Classification: Likely benign for ALMS1-related condition. Last evaluated: 2020-06-18. Review status: criteria provided, single submitter. Criteria: ACMG Guidelines, 2015. Collection method: clinical testing. Allele origin: germline.
Comment: This variant is classified as likely benign based on ACMG/AMP sequence variant interpretation guidelines (Richards et al. 2015 PMID: 25741868, with internal and published modifications).

GeneDx
Classification: Likely benign. Last evaluated: 2020-05-18. Review status: criteria provided, single submitter. Criteria: GeneDx Variant Classification Process June 2021. Collection method: clinical testing. Allele origin: germline. Affected: yes.

Natera, Inc.
Classification: Likely benign for Alstrom syndrome. Last evaluated: 2020-02-07. Review status: no assertion criteria provided. Collection method: clinical testing. Allele origin: germline. Not counted in ClinVar's aggregate classification.

NM_001378454.1(ALMS1):c.11772T>C (p.Asp3924=)

Gene: ALMS1 (ALMS1 centrosome and basal body associated protein; plus strand). Cytogenetic location: 2p13.1.
Variant type: single nucleotide variant.
Coding change: c.11772T>C on transcript NM_001378454.1 (MANE Select); coding-DNA position 11772, T replaced by C.
Protein change: p.Asp3924=; no amino-acid change (aspartic acid 3924 retained).
Molecular consequence: synonymous variant.
Genome position (GRCh38, 1-based): chr2:73,600,781, T>C. VCF-style: chr2-73600781-T-C. GRCh37 (hg19) VCF-style: chr2-73827908-T-C.
Other names: c.11775T>C, p.Asp3925= (NM_015120.4).
Identifiers: ClinVar variation 679485 (VCV000679485.22), dbSNP rs201924342, ClinGen allele CA1715319.
Genomic context (GRCh38, chr2:73,600,781, plus strand): 5'-TGTTGGGATAACTTTCCCAACTCCAAGTTCCAGCGAGGCTAAATTGGAAGAGAACAGTGA[T>C]GTGACTTCTTGGTCAGAAGAAAAACGTGAAGAGAAAATGCTCTTTACCGGTTATCCTGAG-3'
Protein context (NP_001365383.1, residues 3914-3934): SSEAKLEENS[Asp3924=]VTSWSEEKRE